The following is an entry in ClinVar:

ClinVar aggregate classification (germline): Benign. Review status: criteria provided, multiple submitters, no conflicts (2 of 4 stars). 3 submissions from 3 submitters: Benign (3). Last evaluated 2023-11-02.

Allele frequency attached by ClinVar (database versions not stated): 1000 Genomes Project 0.98103; 1000 Genomes Project 30x 0.97908; TOPMed 0.98262.
gnomAD v4.1: 1,324,926 of 1,329,206 alleles (100%); highest among the groups gnomAD compares: East Asian, 100%; 660,432 homozygotes.

Submissions (3):

Unidad de Genómica Garrahan, Hospital de Pediatría Garrahan
Classification: Benign. Last evaluated: 2023-11-02. Review status: criteria provided, single submitter. Criteria: ACMG Guidelines, 2015. Collection method: clinical testing. Allele origin: germline. Affected: no. Observed: 96 variant alleles.
Comment: This variant is classified as Benign based on local population frequency. This variant was detected in 100% of patients studied by a panel of primary immunodeficiencies. Number of patients: 96. Only high quality variants are reported.

GeneDx
Classification: Benign. Last evaluated: 2015-03-03. Review status: criteria provided, single submitter. Criteria: GeneDx Variant Classification Process June 2021. Collection method: clinical testing. Allele origin: germline. Affected: yes.

Breakthrough Genomics
Classification: Benign. Review status: criteria provided, single submitter. Criteria: ACMG Guidelines, 2015. Collection method: not provided. Allele origin: germline. Inheritance: Autosomal dominant inheritance. Affected: yes.

NM_003978.5(PSTPIP1):c.642+87T>C

Gene: PSTPIP1 (proline-serine-threonine phosphatase interacting protein 1; plus strand). Cytogenetic location: 15q24.3.
Variant type: single nucleotide variant.
Coding change: c.642+87T>C on transcript NM_003978.5 (MANE Select); 87 bases into the intron after coding-DNA position 642, T replaced by C.
Molecular consequence: intron variant.
Genome position (GRCh38, 1-based): chr15:77,030,668, T>C. VCF-style: chr15-77030668-T-C. GRCh37 (hg19) VCF-style: chr15-77323009-T-C.
Other names: c.837+87T>C (NM_001321137.1); c.615+87T>C (NM_001321136.2); c.642+87T>C (NM_001321135.2).
Identifiers: ClinVar variation 1270242 (VCV001270242.4), dbSNP rs2469237, ClinGen allele CA273757978.